The following is an entry in ClinVar:

ClinVar aggregate classification (germline): Uncertain significance (1 of 4 stars; one submission).

Conditions:
Combined immunodeficiency due to LRBA deficiency. Also called: Common variable immunodeficiency 8, with autoimmunity. Identifiers: Orphanet 445018, MedGen C3553512, MONDO:0013863, OMIM 614700.

Submission:

Labcorp Genetics (formerly Invitae), Labcorp
Classification: Uncertain significance for Combined immunodeficiency due to LRBA deficiency. Last evaluated: 2020-10-24. Review status: criteria provided, single submitter. Criteria: Invitae Variant Classification Sherloc (09022015). Collection method: clinical testing. Allele origin: germline.
Comment: In summary, the available evidence is currently insufficient to determine the role of this variant in disease. Therefore, it has been classified as a Variant of Uncertain Significance. This variant disrupts a region of the protein in which other variant(s) (p.Arg1445Gln) have been observed in individuals with LRBA-related conditions (PMID: 26768763). This suggests that this may be a clinically significant region of the LRBA protein. Experimental studies and prediction algorithms are not available or were not evaluated, and the functional significance of this variant is currently unknown. This variant has not been reported in the literature in individuals with LRBA-related conditions. This variant is an in-frame deletion of the genomic region encompassing exon(s) 3-36 of the LRBA gene. It preserves the integrity of the reading frame.

Literature cited by the submitters: PubMed 26768763.

NC_000004.12:g.(?_150735238)_(150929085_?)del

Genes: LRBA (LPS responsive beige-like anchor protein; minus strand), LOC129993220 (ATAC-STARR-seq lymphoblastoid active region 22015; plus strand). Cytogenetic location: 4q31.3.
Variant type: Deletion.
Identifiers: ClinVar variation 650196 (VCV000650196.5).